The following is an entry in ClinVar:

ClinVar aggregate classification (germline): Pathogenic (1 of 4 stars; one submission).

Conditions:
Hereditary spastic paraplegia 11. Also called: Spastic paraplegia, mental retardation and thin corpus callosum; Nakamura Osame syndrome; Autosomal recessive hereditary spastic paraplegia, mental impairment, and thin corpus callosum; SPASTIC PARAPLEGIA, AUTOSOMAL RECESSIVE, COMPLICATED, WITH THIN CORPUS CALLOSUM; SPASTIC PARAPLEGIA, AUTOSOMAL RECESSIVE, WITH MENTAL IMPAIRMENT AND THIN CORPUS CALLOSUM; Spastic Paraplegia 11. Identifiers: Orphanet 2822, MedGen C1858479, MONDO:0011445, OMIM 604360.

Allele frequency attached by ClinVar (database versions not stated): gnomAD 0.00001; TOPMed 0.00001.

Submission:

Labcorp Genetics (formerly Invitae), Labcorp
Classification: Pathogenic for Hereditary spastic paraplegia 11. Last evaluated: 2023-01-19. Review status: criteria provided, single submitter. Criteria: Invitae Variant Classification Sherloc (09022015). Collection method: clinical testing. Allele origin: germline.
Comment: For these reasons, this variant has been classified as Pathogenic. This variant has not been reported in the literature in individuals affected with SPG11-related conditions. This variant is not present in population databases (gnomAD no frequency). This sequence change creates a premature translational stop signal (p.Val1007Glyfs*4) in the SPG11 gene. It is expected to result in an absent or disrupted protein product. Loss-of-function variants in SPG11 are known to be pathogenic (PMID: 19105190, 20110243, 22154821, 26556829).

Literature cited by the submitters: PubMed 19105190; PubMed 20110243; PubMed 22154821; PubMed 26556829.

NM_025137.4(SPG11):c.3019dup (p.Val1007fs)

Gene: SPG11 (SPG11 vesicle trafficking associated, spatacsin; minus strand). Cytogenetic location: 15q21.1.
Variant type: Duplication.
Coding change: c.3019dup on transcript NM_025137.4 (MANE Select); coding-DNA position 3019, one base duplicated (G; older notation c.3019dupG).
Protein change: p.Val1007fs; shifts the reading frame from valine 1007.
Molecular consequence: frameshift variant.
Genome position (GRCh38, 1-based): chr15:44,615,382, C duplicated on the plus strand (G on the coding strand, the reverse complement: SPG11 is on the minus strand). VCF-style (leftmost placement, unchanged base first): chr15-44615381-A-AC. GRCh37 (hg19) VCF-style: chr15-44907579-A-AC.
Other names: c.3019dup, p.Val1007fs (NM_001160227.2); c.3019dup, p.Val1007Glyfs (NM_001411132.1); short protein forms V1007fs.
Identifiers: ClinVar variation 1919343 (VCV001919343.5), dbSNP rs1295595912, ClinGen allele CA713041568.
Genomic context (GRCh38, chr15:44,615,381, plus strand): 5'-TGTGAAGACCTGCTCAAGGACAAATGCATTCTCAGTACTCACTTGTAACAGTCAAGGTAG[A>AC]CATAAAGAAGATGCTGCAGACTGTGCTCCAAACAATAGAGAATGAATTGAGAATGGAAAT-3'